The following is an entry in ClinVar:

NM_000492.4(CFTR):c.911A>C (p.Tyr304Ser)

Gene: CFTR (CF transmembrane conductance regulator; plus strand). Cytogenetic location: 7q31.2.
Variant type: single nucleotide variant.
Coding change: c.911A>C on transcript NM_000492.4 (MANE Select); coding-DNA position 911, A replaced by C.
Protein change: p.Tyr304Ser; replaces tyrosine 304 with serine.
Molecular consequence: missense variant.
Genome position (GRCh38, 1-based): chr7:117,540,141, A>C. VCF-style: chr7-117540141-A-C. GRCh37 (hg19) VCF-style: chr7-117180195-A-C.
Other names: short protein forms Y304S.
Identifiers: ClinVar variation 1765863 (VCV001765863.3), dbSNP rs1799024296, ClinGen allele CA368978114.

ClinVar aggregate classification (germline): Uncertain significance (1 of 4 stars; one submission).

Conditions:
Cystic fibrosis (CF). Also called: MUCOVISCIDOSIS. Identifiers: Orphanet 586, MedGen C0010674, MONDO:0009061, OMIM 219700. Disease mechanism: loss of function.

Allele frequency attached by ClinVar (database versions not stated): TOPMed below 0.00001.

Submission:

Ambry Genetics
Classification: Uncertain significance for Cystic fibrosis. Last evaluated: 2024-03-25. Review status: criteria provided, single submitter. Criteria: Ambry Variant Classification Scheme 2023. Collection method: clinical testing. Allele origin: germline.
Comment: The p.Y304S variant (also known as c.911A>C), located in coding exon 8 of the CFTR gene, results from an A to C substitution at nucleotide position 911. The tyrosine at codon 304 is replaced by serine, an amino acid with dissimilar properties. This amino acid position is well conserved in available vertebrate species. In addition, this alteration is predicted to be deleterious by in silico analysis. Since supporting evidence is limited at this time, the clinical significance of this alteration remains unclear.